The following is an entry in ClinVar:

NM_145868.2(ANXA11):c.52C>T (p.Pro18Ser)

Gene: ANXA11 (annexin A11; minus strand). Cytogenetic location: 10q22.3.
Variant type: single nucleotide variant.
Coding change: c.52C>T on transcript NM_145868.2 (MANE Select); coding-DNA position 52, C replaced by T.
Protein change: p.Pro18Ser; replaces proline 18 with serine.
Molecular consequence: missense variant. On other transcripts: 5 prime UTR variant (1).
Genome position (GRCh38, 1-based): chr10:80,172,810, G>A on the plus strand (C>T on the coding strand, the complement: ANXA11 is on the minus strand). VCF-style: chr10-80172810-G-A. GRCh37 (hg19) VCF-style: chr10-81932566-G-A.
Other names: c.52C>T, p.Pro18Ser (NM_001157.3, NM_001278407.2, NM_001278408.2 and 1 more transcripts); c.-317C>T (NM_001278409.2); short protein forms P18S.
Identifiers: ClinVar variation 3647250 (VCV003647250.2).

ClinVar aggregate classification (germline): Uncertain significance (1 of 4 stars; one submission).

gnomAD v4.1: 3 of 1,613,940 alleles (0.00019%); highest among the groups gnomAD compares: South Asian, 0.0011%; no homozygotes.

Submission:

Labcorp Genetics (formerly Invitae), Labcorp
Classification: Uncertain significance. Last evaluated: 2026-01-19. Review status: criteria provided, single submitter. Criteria: Invitae Variant Classification Sherloc (09022015). Collection method: clinical testing. Allele origin: germline.
Comment: This sequence change replaces proline, which is neutral and non-polar, with serine, which is neutral and polar, at codon 18 of the ANXA11 protein (p.Pro18Ser). This variant is present in population databases (rs774616730, gnomAD 0.003%). This variant has not been reported in the literature in individuals affected with ANXA11-related conditions. ClinVar contains an entry for this variant (Variation ID: 3647250). Experimental studies and prediction algorithms are not available or were not evaluated, and the functional significance of this variant is currently unknown. In summary, the available evidence is currently insufficient to determine the role of this variant in disease. Therefore, it has been classified as a Variant of Uncertain Significance.